The following is an entry in ClinVar:

ClinVar aggregate classification (germline): Uncertain significance (1 of 4 stars; one submission).

gnomAD v4.1: 1 of 1,614,028 alleles (0.000062%); highest among the groups gnomAD compares: Non-Finnish European, 0.000085%; no homozygotes.

Submission:

CeGaT Center for Human Genetics Tuebingen
Classification: Uncertain significance. Last evaluated: 2024-07-01. Review status: criteria provided, single submitter. Criteria: CeGaT Center For Human Genetics Tuebingen Variant Classification Criteria Version 2. Collection method: clinical testing. Allele origin: germline. Affected: yes. Observed: 1 variant allele.
Comment: DNMT3A: PM2

NM_022552.5(DNMT3A):c.1760G>A (p.Gly587Glu)

Gene: DNMT3A (DNA methyltransferase 3 alpha; minus strand). Cytogenetic location: 2p23.3.
Variant type: single nucleotide variant.
Coding change: c.1760G>A on transcript NM_022552.5 (MANE Select); coding-DNA position 1760, G replaced by A.
Protein change: p.Gly587Glu; replaces glycine 587 with glutamic acid.
Molecular consequence: missense variant. On other transcripts: non-coding transcript variant (1).
Genome position (GRCh38, 1-based): chr2:25,244,246, C>T on the plus strand (G>A on the coding strand, the complement: DNMT3A is on the minus strand). VCF-style: chr2-25244246-C-T. GRCh37 (hg19) VCF-style: chr2-25467115-C-T.
Other names: c.1304G>A, p.Gly435Glu (NM_001320893.1); c.1091G>A, p.Gly364Glu (NM_001375819.1); c.1193G>A, p.Gly398Glu (NM_153759.3); c.1760G>A, p.Gly587Glu (NM_175629.2); short protein forms G364E, G398E, G435E, G587E.
Identifiers: ClinVar variation 3257511 (VCV003257511.17).